The following is an entry in ClinVar:

NC_000008.10:g.(?_145742976)_(145743178_?)dup

Genes: RECQL4 (RecQ like helicase 4; minus strand), LOC130001411 (ATAC-STARR-seq lymphoblastoid silent region 19699; plus strand). Cytogenetic location: 8q24.3.
Variant type: Duplication.
Identifiers: ClinVar variation 583842 (VCV000583842.3).

ClinVar aggregate classification (germline): Uncertain significance (1 of 4 stars; one submission).

Conditions:
Baller-Gerold syndrome (BGS). Also called: CRANIOSYNOSTOSIS WITH RADIAL DEFECTS. Identifiers: Orphanet 1225, MedGen C0265308, MONDO:0009039, OMIM 218600.

Submission:

Labcorp Genetics (formerly Invitae), Labcorp
Classification: Uncertain significance for Baller-Gerold syndrome. Last evaluated: 2019-02-04. Review status: criteria provided, single submitter. Criteria: Invitae Variant Classification Sherloc (09022015). Collection method: clinical testing. Allele origin: germline.
Comment: This variant results in a copy number gain of the genomic region encompassing exons 1-2 of the RECQL4 gene. The 5' end of this event is unknown as it extends beyond the assayed region for this gene and therefore may encompass additional genes. The 3' boundary is likely confined to intron 2 of the RECQL4 gene. As the precise location of this event is unknown, it may be in tandem or it may be located elsewhere in the genome. A copy number gain of exons 1-2 has not been reported in the literature in individuals with RECQL4-related disease. In summary, the available evidence is currently insufficient to determine the role of this variant in disease. Therefore, it has been classified as a Variant of Uncertain Significance.